The following is an entry in ClinVar:

ClinVar aggregate classification (germline): Pathogenic (1 of 4 stars; one submission).

Conditions:
Hereditary spastic paraplegia 11. Also called: Spastic Paraplegia 11; Nakamura Osame syndrome; Autosomal recessive hereditary spastic paraplegia, mental impairment, and thin corpus callosum; SPASTIC PARAPLEGIA, AUTOSOMAL RECESSIVE, COMPLICATED, WITH THIN CORPUS CALLOSUM; SPASTIC PARAPLEGIA, AUTOSOMAL RECESSIVE, WITH MENTAL IMPAIRMENT AND THIN CORPUS CALLOSUM; Spastic paraplegia, mental retardation and thin corpus callosum. Identifiers: Orphanet 2822, MedGen C1858479, MONDO:0011445, OMIM 604360.

Allele frequency attached by ClinVar (database versions not stated): gnomAD exomes below 0.00001.
gnomAD v4.1: 1 of 1,613,950 alleles (0.000062%); highest among the groups gnomAD compares: Non-Finnish European, 0.000085%; no homozygotes.

Submission:

Labcorp Genetics (formerly Invitae), Labcorp
Classification: Pathogenic for Hereditary spastic paraplegia 11. Last evaluated: 2022-11-01. Review status: criteria provided, single submitter. Criteria: Invitae Variant Classification Sherloc (09022015). Collection method: clinical testing. Allele origin: germline.
Comment: This variant is not present in population databases (gnomAD no frequency). For these reasons, this variant has been classified as Pathogenic. Algorithms developed to predict the effect of sequence changes on RNA splicing suggest that this variant may disrupt the consensus splice site. ClinVar contains an entry for this variant (Variation ID: 1456306). This premature translational stop signal has been observed in individual(s) with spastic paraplegia (PMID: 23438842). This sequence change creates a premature translational stop signal (p.Trp893*) in the SPG11 gene. It is expected to result in an absent or disrupted protein product. Loss-of-function variants in SPG11 are known to be pathogenic (PMID: 19105190, 20110243, 22154821, 26556829).

Literature cited by the submitters: PubMed 23438842; PubMed 19105190; PubMed 20110243; PubMed 22154821; PubMed 26556829.

NM_025137.4(SPG11):c.2678G>A (p.Trp893Ter)

Gene: SPG11 (SPG11 vesicle trafficking associated, spatacsin; minus strand). Cytogenetic location: 15q21.1.
Variant type: single nucleotide variant.
Coding change: c.2678G>A on transcript NM_025137.4 (MANE Select); coding-DNA position 2678, G replaced by A.
Protein change: p.Trp893Ter; replaces tryptophan 893 with a stop codon.
Molecular consequence: nonsense.
Genome position (GRCh38, 1-based): chr15:44,620,346, C>T on the plus strand (G>A on the coding strand, the complement: SPG11 is on the minus strand). VCF-style: chr15-44620346-C-T. GRCh37 (hg19) VCF-style: chr15-44912544-C-T.
Other names: c.2678G>A, p.Trp893Ter (NM_001160227.2); short protein forms W893*.
Identifiers: ClinVar variation 1456306 (VCV001456306.8), dbSNP rs1555455266, ClinGen allele CA392230874.